The following is an entry in ClinVar:

ClinVar aggregate classification (germline): Uncertain significance. Review status: criteria provided, multiple submitters, no conflicts (2 of 4 stars). 3 submissions from 3 submitters: Uncertain significance (3). Last evaluated 2023-02-13.

Conditions:
Mitochondrial complex III deficiency nuclear type 8. Identifiers: MedGen C4014440, MONDO:0014364, OMIM 615838.

Submissions (3):

GeneDx
Classification: Uncertain significance. Last evaluated: 2023-02-13. Review status: criteria provided, single submitter. Criteria: GeneDx Variant Classification Process June 2021. Collection method: clinical testing. Allele origin: germline. Affected: yes.
Comment: In-frame deletion of 1 amino acids in a non-repeat region; Has not been previously published as pathogenic or benign to our knowledge

Labcorp Genetics (formerly Invitae), Labcorp
Classification: Uncertain significance. Last evaluated: 2022-04-18. Review status: criteria provided, single submitter. Criteria: Invitae Variant Classification Sherloc (09022015). Collection method: clinical testing. Allele origin: germline.
Comment: This variant, c.145_147del, results in the deletion of 1 amino acid(s) of the LYRM7 protein (p.Ser49del), but otherwise preserves the integrity of the reading frame. This variant is present in population databases (rs762109952, gnomAD 0.04%). This variant has not been reported in the literature in individuals affected with LYRM7-related conditions. Experimental studies and prediction algorithms are not available or were not evaluated, and the functional significance of this variant is currently unknown. In summary, the available evidence is currently insufficient to determine the role of this variant in disease. Therefore, it has been classified as a Variant of Uncertain Significance.

Revvity Omics, Revvity
Classification: Uncertain significance for Mitochondrial complex III deficiency nuclear type 8. Last evaluated: 2021-01-29. Review status: criteria provided, single submitter. Criteria: ACMG Guidelines, 2015. Collection method: clinical testing. Allele origin: germline.

NM_181705.4(LYRM7):c.142TCT[1] (p.Ser49del)

Gene: LYRM7 (LYR motif containing 7; plus strand). Cytogenetic location: 5q23.3.
Variant type: Microsatellite.
Coding change: c.142TCT[1] on transcript NM_181705.4 (MANE Select); one copy of the 3-base unit TCT starting at c.142; the reference has two copies in a row; one copy, 3 bases deleted; also written c.145_147del.
Protein change: p.Ser49del; deletes serine 49.
Molecular consequence: inframe deletion.
Genome position (GRCh38, 1-based): chr5:131,182,282-131,182,284, TCT deleted; deleting any 3 consecutive bases within chr5:131,182,277-131,182,284 gives the same sequence; the position shown is the placement nearest the transcript's 3' end. VCF-style (leftmost placement, unchanged base first): chr5-131182276-ACTT-A. GRCh37 (hg19) VCF-style: chr5-130517969-ACTT-A.
Other names: c.142TCT[1], p.Ser49del (NM_001293735.2); c.145_147del (NM_181705.2, NM_181705.3); short protein forms S49del.
Identifiers: ClinVar variation 1904336 (VCV001904336.6), dbSNP rs762109952, ClinGen allele CA3398758.